The following is an entry in ClinVar:

NM_006031.6(PCNT):c.317A>G (p.Gln106Arg)

Gene: PCNT (pericentrin; plus strand). Cytogenetic location: 21q22.3.
Variant type: single nucleotide variant.
Coding change: c.317A>G on transcript NM_006031.6 (MANE Select); coding-DNA position 317, A replaced by G.
Protein change: p.Gln106Arg; replaces glutamine 106 with arginine.
Molecular consequence: missense variant. On other transcripts: 5 prime UTR variant (1).
Genome position (GRCh38, 1-based): chr21:46,334,446, A>G. VCF-style: chr21-46334446-A-G. GRCh37 (hg19) VCF-style: chr21-47754360-A-G.
Other names: c.-38A>G (NM_001315529.2); short protein forms Q106R.
Identifiers: ClinVar variation 3350487 (VCV003350487.1).

ClinVar aggregate classification (germline): Uncertain significance (0 of 4 stars; one submission).

Conditions:
PCNT-related disorder. Also called: PCNT-related condition.

gnomAD v4.1: 1 of 1,614,248 alleles (0.000062%); highest among the groups gnomAD compares: Admixed American, 0.0017%; no homozygotes.

Submission:

PreventionGenetics, part of Exact Sciences
Classification: Uncertain significance for PCNT-related condition. Last evaluated: 2024-05-17. Review status: no assertion criteria provided. Collection method: clinical testing. Allele origin: germline.
Comment: The PCNT c.317A>G variant is predicted to result in the amino acid substitution p.Gln106Arg. To our knowledge, this variant has not been reported in the literature or in a large population database, indicating this variant is rare. At this time, the clinical significance of this variant is uncertain due to the absence of conclusive functional and genetic evidence.